The following is an entry in ClinVar:

ClinVar aggregate classification (germline): Uncertain significance (1 of 4 stars; one submission).

Conditions:
Hereditary cancer-predisposing syndrome. Also called: Neoplastic Syndromes, Hereditary; Tumor predisposition; Hereditary Cancer Syndrome; Hereditary neoplastic syndrome. Identifiers: Orphanet 140162, MedGen C0027672, MeSH D009386, MONDO:0015356.

Submission:

Ambry Genetics
Classification: Uncertain significance for Hereditary cancer-predisposing syndrome. Last evaluated: 2021-11-16. Review status: criteria provided, single submitter. Criteria: Ambry Variant Classification Scheme 2023. Collection method: clinical testing. Allele origin: germline.
Comment: The c.641_642delACinsTT variant (also known as p.Y214F), located in coding exon 4 of the MSH6 gene, results from an in-frame deletion of AC and insertion of TT at nucleotide positions 641 to 642. This results in the substitution of the tyrosine residue for a phenylalanine residue at codon 214, an amino acid with highly similar properties. This amino acid position is not well conserved in available vertebrate species. In addition, this alteration is predicted to be neutral by in silico analysis (Choi Y et al. PLoS ONE. 2012; 7(10):e46688). Since supporting evidence is limited at this time, the clinical significance of this alteration remains unclear.

NM_000179.3(MSH6):c.641_642delinsTT (p.Tyr214Phe)

Gene: MSH6 (mutS homolog 6; plus strand). Cytogenetic location: 2p16.3.
Variant type: Indel.
Coding change: c.641_642delinsTT on transcript NM_000179.3 (MANE Select); coding-DNA positions 641 to 642, AC replaced by TT.
Protein change: p.Tyr214Phe; replaces tyrosine 214 with phenylalanine.
Molecular consequence: missense variant. On other transcripts: 5 prime UTR variant (2).
Genome position (GRCh38, 1-based): chr2:47,798,624-47,798,625, AC replaced by TT. VCF-style: chr2-47798624-AC-TT. GRCh37 (hg19) VCF-style: chr2-48025763-AC-TT.
Other names: c.344_345delACinsTT, p.Tyr115Phe (NM_001406819.1, NM_001406820.1, NM_001406821.1 and 10 more transcripts); c.-266_-265delACinsTT (NM_001406823.1, NM_001406829.1, NM_001406811.1 and 4 more transcripts); c.473_474delACinsTT, p.Tyr158Phe (NM_001406826.1); c.251_252delinsTT, p.Tyr84Phe (NM_001281492.2); c.-266_-265delinsTT (NM_001281493.2, NM_001281494.2); c.737_738delACinsTT, p.Tyr246Phe (NM_001406795.1, NM_001406802.1); c.641_642delACinsTT, p.Tyr214Phe (NM_001406796.1, NM_001406798.1, NM_001406800.1 and 4 more transcripts); c.116_117delACinsTT, p.Tyr39Phe (NM_001406799.1, NM_001406806.1, NM_001406807.1); and 2 more; short protein forms Y188F, Y84F, Y115F, Y158F, Y246F, Y214F, Y216F, Y39F.
Identifiers: ClinVar variation 1753384 (VCV001753384.2), dbSNP rs2530563118, ClinGen allele CA2580067193.